The following is an entry in ClinVar:

ClinVar aggregate classification (germline): Uncertain significance. Review status: criteria provided, multiple submitters, no conflicts (2 of 4 stars). 2 submissions from 2 submitters: Uncertain significance (2). Last evaluated 2024-10-20.

gnomAD v4.1: 15 of 1,600,156 alleles (0.00094%); highest among the groups gnomAD compares: African/African-American, 0.004%; no homozygotes.

Submissions (2):

Ambry Genetics
Classification: Uncertain significance. Last evaluated: 2024-10-20. Review status: criteria provided, single submitter. Criteria: Ambry Variant Classification Scheme 2023. Collection method: clinical testing. Allele origin: germline.

Labcorp Genetics (formerly Invitae), Labcorp
Classification: Uncertain significance. Last evaluated: 2024-05-01. Review status: criteria provided, single submitter. Criteria: Invitae Variant Classification Sherloc (09022015). Collection method: clinical testing. Allele origin: germline.
Comment: This sequence change replaces valine, which is neutral and non-polar, with leucine, which is neutral and non-polar, at codon 274 of the GPR45 protein (p.Val274Leu). This variant is not present in population databases (gnomAD no frequency). This variant has not been reported in the literature in individuals affected with GPR45-related conditions. An algorithm developed to predict the effect of missense changes on protein structure and function (PolyPhen-2) suggests that this variant is likely to be tolerated. In summary, the available evidence is currently insufficient to determine the role of this variant in disease. Therefore, it has been classified as a Variant of Uncertain Significance.

NM_007227.3(GPR45):c.820G>T (p.Val274Leu)

Gene: GPR45 (G protein-coupled receptor 45; plus strand). Cytogenetic location: 2q12.1.
Variant type: single nucleotide variant.
Coding change: c.820G>T on transcript NM_007227.3 (MANE Select); coding-DNA position 820, G replaced by T.
Protein change: p.Val274Leu; replaces valine 274 with leucine.
Molecular consequence: missense variant.
Genome position (GRCh38, 1-based): chr2:105,242,678, G>T. VCF-style: chr2-105242678-G-T. GRCh37 (hg19) VCF-style: chr2-105859135-G-T.
Other names: short protein forms V274L.
Identifiers: ClinVar variation 3522061 (VCV003522061.3).